The following is an entry in ClinVar:

NM_003482.4(KMT2D):c.12862del (p.Arg4288fs)

Gene: KMT2D (lysine methyltransferase 2D; minus strand). Cytogenetic location: 12q13.12.
Variant type: Deletion.
Coding change: c.12862del on transcript NM_003482.4 (MANE Select); coding-DNA position 12862, one base deleted (C; older notation c.12862delC).
Protein change: p.Arg4288fs; shifts the reading frame from arginine 4288.
Molecular consequence: frameshift variant.
Genome position (GRCh38, 1-based): chr12:49,031,843, G deleted on the plus strand (C on the coding strand, the reverse complement: KMT2D is on the minus strand); the first of 4 consecutive G bases (chr12:49,031,843-49,031,846); deleting any one gives the same sequence. VCF-style (leftmost placement, unchanged base first): chr12-49031842-CG-C. GRCh37 (hg19) VCF-style: chr12-49425625-CG-C.
Other names: short protein forms R4288fs.
Identifiers: ClinVar variation 4871696 (VCV004871696.1).

ClinVar aggregate classification (germline): Pathogenic (1 of 4 stars; one submission).

Conditions:
Kabuki syndrome 1 (KABUK1). Also called: KMT2D-Related Kabuki Syndrome. Identifiers: Orphanet 2322, MedGen CN030661, MONDO:0007843, OMIM 147920.

Submission:

Centro Nacional de Genética Medica, Administración Nacional de Laboratorios e Institutos de Salud (ANLIS) “Dr. Carlos G Malbrán”
Classification: Pathogenic for Kabuki syndrome 1. Last evaluated: 2025-08-27. Review status: criteria provided, single submitter. Criteria: ACMG Guidelines, 2015. Collection method: clinical testing. Allele origin: germline. Affected: yes. Observed: 1 variant allele.
Comment: This variant corresponds to a single-nucleotide deletion that causes a frameshift within the coding sequence of exon 40/55 of the KMT2D gene, resulting in disruption of the reading frame and the introduction of a premature termination codon 96 amino acid residues downstream of the variant site. Variants of this type generally result in degradation of the mutant messenger RNA through the nonsense-mediated decay (NMD) pathway (PMID: 36875494; PMID: 31474762), leading to loss of protein production from the affected allele. KMT2D has been curated as a haploinsufficient gene by ClinGen (IDCC:007377, ISCA-21328), and numerous studies have demonstrated that loss of function is an established disease mechanism for this gene (PMID: 20711175; PMID: 21671394; PMID: 21607748) (PVS1). The identified variant is absent from population databases such as gnomAD, ExAC, and the 1000 Genomes Project (PM2_Supporting). The patient's phenotype is highly specific for Kabuki syndrome, and the identified variant in KMT2D provides a plausible molecular explanation for the clinical presentation (PP4).

Literature cited by the submitters: PubMed 36875494; PubMed 31474762; PubMed 20711175; PubMed 21671394; PubMed 21607748.